The following is an entry in ClinVar:

ClinVar aggregate classification (germline): Uncertain significance (1 of 4 stars; one submission).

gnomAD v4.1: 6 of 1,575,214 alleles (0.00038%); highest among the groups gnomAD compares: East Asian, 0.0023%; no homozygotes.

Submission:

Labcorp Genetics (formerly Invitae), Labcorp
Classification: Uncertain significance. Last evaluated: 2024-04-17. Review status: criteria provided, single submitter. Criteria: Invitae Variant Classification Sherloc (09022015). Collection method: clinical testing. Allele origin: germline.
Comment: This sequence change replaces arginine, which is basic and polar, with leucine, which is neutral and non-polar, at codon 293 of the GRM6 protein (p.Arg293Leu). The frequency data for this variant in the population databases is considered unreliable, as metrics indicate poor data quality at this position in the gnomAD database. This variant has not been reported in the literature in individuals affected with GRM6-related conditions. ClinVar contains an entry for this variant (Variation ID: 1984264). Advanced modeling of protein sequence and biophysical properties (such as structural, functional, and spatial information, amino acid conservation, physicochemical variation, residue mobility, and thermodynamic stability) performed at Invitae indicates that this missense variant is not expected to disrupt GRM6 protein function with a negative predictive value of 80%. In summary, the available evidence is currently insufficient to determine the role of this variant in disease. Therefore, it has been classified as a Variant of Uncertain Significance.

NM_000843.4(GRM6):c.878G>T (p.Arg293Leu)

Gene: GRM6 (glutamate metabotropic receptor 6; minus strand). Cytogenetic location: 5q35.3.
Variant type: single nucleotide variant.
Coding change: c.878G>T on transcript NM_000843.4 (MANE Select); coding-DNA position 878, G replaced by T.
Protein change: p.Arg293Leu; replaces arginine 293 with leucine.
Molecular consequence: missense variant.
Genome position (GRCh38, 1-based): chr5:178,990,726, C>A on the plus strand (G>T on the coding strand, the complement: GRM6 is on the minus strand). VCF-style: chr5-178990726-C-A. GRCh37 (hg19) VCF-style: chr5-178417727-C-A.
Other names: short protein forms R293L.
Identifiers: ClinVar variation 1984264 (VCV001984264.4), dbSNP rs753889215, ClinGen allele CA3594312.